The following is an entry in ClinVar:

ClinVar aggregate classification (germline): Likely pathogenic (1 of 4 stars; one submission).

Conditions:
Intellectual developmental disorder 62. Also called: INTELLECTUAL DEVELOPMENTAL DISORDER, AUTOSOMAL DOMINANT 62; MENTAL RETARDATION, AUTOSOMAL DOMINANT 62. Identifiers: MedGen C5394083, MONDO:0032919, OMIM 618793.

Submission:

Women's Health and Genetics/Laboratory Corporation of America, LabCorp
Classification: Likely pathogenic for Intellectual developmental disorder 62. Last evaluated: 2022-10-11. Review status: criteria provided, single submitter. Criteria: LabCorp Variant Classification Summary - May 2015. Collection method: clinical testing. Allele origin: germline.
Comment: Variant summary: DLG4 c.902delC (p.Pro301GlnfsX29) results in a premature termination codon, predicted to cause a truncation of the encoded protein or absence of the protein due to nonsense mediated decay, which are commonly known mechanisms for disease. The variant was absent in 249264 control chromosomes (gnomAD). To our knowledge, no occurrence of c.902delC in individuals affected with Intellectual Developmental Disorder 62 and no experimental evidence demonstrating its impact on protein function have been reported. No clinical diagnostic laboratories have submitted clinical-significance assessments for this variant to ClinVar after 2014. Based on the evidence outlined above, the variant was classified as likely pathogenic.

NM_001321075.3(DLG4):c.773del (p.Pro258fs)

Gene: DLG4 (discs large MAGUK scaffold protein 4; minus strand). Cytogenetic location: 17p13.1.
Variant type: Deletion.
Coding change: c.773del on transcript NM_001321075.3 (MANE Select); coding-DNA position 773, one base deleted (C; older notation c.773delC).
Protein change: p.Pro258fs; shifts the reading frame from proline 258.
Molecular consequence: frameshift variant. On other transcripts: non-coding transcript variant (1).
Genome position (GRCh38, 1-based): chr17:7,202,917, G deleted on the plus strand (C on the coding strand, the reverse complement: DLG4 is on the minus strand); the first of 5 consecutive G bases (chr17:7,202,917-7,202,921); deleting any one gives the same sequence. VCF-style (leftmost placement, unchanged base first): chr17-7202916-TG-T. GRCh37 (hg19) VCF-style: chr17-7106235-TG-T.
Other names: c.902delC (NM_001365.4); c.764del, p.Pro255fs (NM_001128827.4); c.893del, p.Pro298fs (NM_001321074.1); c.593del, p.Pro198fs (NM_001321076.3, NM_001321077.3); c.898delC, p.Pro301Glnfs (NM_001365.5); c.692del, p.Pro231fs (NM_001369566.3); short protein forms P198fs, P231fs, P255fs, P258fs, P298fs, P301fs.
Identifiers: ClinVar variation 1723283 (VCV001723283.1), dbSNP rs2508013671, ClinGen allele CA2580094744.